The following is an entry in ClinVar:

ClinVar aggregate classification (germline): Uncertain significance (1 of 4 stars; one submission).

Conditions:
Neurofibromatosis, type 1 (NF1). Also called: Peripheral type neurofibromatosis; VON RECKLINGHAUSEN DISEASE; Neurofibromatosis, type I; NEUROFIBROMATOSIS, TYPE I, SOMATIC. Identifiers: Orphanet 636, MedGen C0027831, MONDO:0018975, OMIM 162200. Disease mechanism: loss of function.

Submission:

Labcorp Genetics (formerly Invitae), Labcorp
Classification: Uncertain significance for Neurofibromatosis, type 1. Last evaluated: 2019-09-05. Review status: criteria provided, single submitter. Criteria: Invitae Variant Classification Sherloc (09022015). Collection method: clinical testing. Allele origin: germline.
Comment: This variant has not been reported in the literature in individuals with NF1-related conditions. This sequence change replaces lysine with glutamic acid at codon 2333 of the NF1 protein (p.Lys2333Glu). The lysine residue is moderately conserved and there is a small physicochemical difference between lysine and glutamic acid. This variant is not present in population databases (ExAC no frequency). Algorithms developed to predict the effect of missense changes on protein structure and function are either unavailable or do not agree on the potential impact of this missense change (SIFT: "Deleterious"; PolyPhen-2: "Benign"; Align-GVGD: "Class C0"). In summary, the available evidence is currently insufficient to determine the role of this variant in disease. Therefore, it has been classified as a Variant of Uncertain Significance.

NM_001042492.3(NF1):c.7060A>G (p.Lys2354Glu)

Gene: NF1 (neurofibromin 1; plus strand). Cytogenetic location: 17q11.2.
Variant type: single nucleotide variant.
Coding change: c.7060A>G on transcript NM_001042492.3 (MANE Select); coding-DNA position 7060, A replaced by G.
Protein change: p.Lys2354Glu; replaces lysine 2354 with glutamic acid.
Molecular consequence: missense variant.
Genome position (GRCh38, 1-based): chr17:31,340,643, A>G. VCF-style: chr17-31340643-A-G. GRCh37 (hg19) VCF-style: chr17-29667661-A-G.
Other names: c.6997A>G, p.Lys2333Glu (NM_000267.4); short protein forms K2354E, K2333E.
Identifiers: ClinVar variation 939690 (VCV000939690.6), dbSNP rs2069795315, ClinGen allele CA399015268.